The following is an entry in ClinVar:

ClinVar aggregate classification (germline): Likely benign. Review status: criteria provided, single submitter (1 of 4 stars). 2 submissions from 2 submitters: Likely benign (1). 1 of the submissions does not count toward it. Last evaluated 2022-02-04.

Conditions:
CACNA1F-related disorder. Also called: CACNA1F-related condition.

Allele frequency attached by ClinVar (database versions not stated): ExAC 0.00001; gnomAD exomes 0.00001; gnomAD 0.00003.

Submissions (2):

Labcorp Genetics (formerly Invitae), Labcorp
Classification: Likely benign. Last evaluated: 2022-02-04. Review status: criteria provided, single submitter. Criteria: Invitae Variant Classification Sherloc (09022015). Collection method: clinical testing. Allele origin: germline.

PreventionGenetics, part of Exact Sciences
Classification: Likely benign for CACNA1F-related condition. Last evaluated: 2020-03-25. Review status: no assertion criteria provided. Collection method: clinical testing. Allele origin: germline. Not counted in ClinVar's aggregate classification.
Comment: This variant is classified as likely benign based on ACMG/AMP sequence variant interpretation guidelines (Richards et al. 2015 PMID: 25741868, with internal and published modifications).

NM_001256789.3(CACNA1F):c.2283G>A (p.Lys761=)

Gene: CACNA1F (calcium voltage-gated channel subunit alpha1 F; minus strand). Cytogenetic location: Xp11.23.
Variant type: single nucleotide variant.
Coding change: c.2283G>A on transcript NM_001256789.3 (MANE Select); coding-DNA position 2283, G replaced by A.
Protein change: p.Lys761=; no amino-acid change (lysine 761 retained).
Molecular consequence: synonymous variant.
Genome position (GRCh38, 1-based): chrX:49,222,527, C>T on the plus strand (G>A on the coding strand, the complement: CACNA1F is on the minus strand). VCF-style: chrX-49222527-C-T. GRCh37 (hg19) VCF-style: chrX-49078986-C-T.
Other names: c.2121G>A, p.Lys707= (NM_001256790.3); c.2316G>A, p.Lys772= (NM_005183.4); c.2316G>A (NM_005183.3).
Identifiers: ClinVar variation 1162178 (VCV001162178.11), dbSNP rs781856621, ClinGen allele CA10410719.